The following is an entry in ClinVar:

ClinVar aggregate classification (germline): Uncertain significance. Review status: criteria provided, multiple submitters, no conflicts (2 of 4 stars). 2 submissions from 2 submitters: Uncertain significance (2). Last evaluated 2026-09-08.

Conditions:
Supravalvar aortic stenosis (SVAS). Also called: Supravalvar aortic stenosis, Eisenberg type. Identifiers: Orphanet 3193, MedGen C0003499, MONDO:0008504, OMIM 185500, HP:0004381.
ELN-related disorder.

gnomAD v4.1: 23 of 1,613,894 alleles (0.0014%); highest among the groups gnomAD compares: Non-Finnish European, 0.0019%; no homozygotes.

Submissions (2):

PreventionGenetics, part of Exact Sciences
Classification: Uncertain significance for ELN-related condition. Last evaluated: 2026-09-08. Review status: criteria provided, single submitter. Criteria: ACMG Guidelines, 2015. Collection method: clinical testing. Allele origin: germline.
Comment: The ELN c.745G>A variant is predicted to result in the amino acid substitution p.Gly249Arg. To our knowledge, this variant has not been reported in the literature. This variant is reported in 0.0031% of alleles in individuals of European (Non-Finnish) descent in gnomAD. At this time, the clinical significance of this variant is uncertain due to the absence of conclusive functional and genetic evidence.

Labcorp Genetics (formerly Invitae), Labcorp
Classification: Uncertain significance for Supravalvar aortic stenosis. Last evaluated: 2024-06-15. Review status: criteria provided, single submitter. Criteria: Invitae Variant Classification Sherloc (09022015). Collection method: clinical testing. Allele origin: germline.
Comment: This sequence change replaces glycine, which is neutral and non-polar, with arginine, which is basic and polar, at codon 249 of the ELN protein (p.Gly249Arg). This variant also falls at the last nucleotide of exon 14, which is part of the consensus splice site for this exon. This variant is present in population databases (rs546393611, gnomAD 0.003%). This variant has not been reported in the literature in individuals affected with ELN-related conditions. Experimental studies and prediction algorithms are not available or were not evaluated, and the functional significance of this variant is currently unknown. Variants that disrupt the consensus splice site are a relatively common cause of aberrant splicing (PMID: 17576681, 9536098). Algorithms developed to predict the effect of sequence changes on RNA splicing suggest that this variant may create or strengthen a splice site. In summary, the available evidence is currently insufficient to determine the role of this variant in disease. Therefore, it has been classified as a Variant of Uncertain Significance.

Literature cited by the submitters: PubMed 17576681 (cited by Labcorp Genetics (formerly Invitae), Labcorp); PubMed 9536098 (cited by Labcorp Genetics (formerly Invitae), Labcorp).

NM_000501.4(ELN):c.745G>A (p.Gly249Arg)

Gene: ELN (elastin; plus strand). Cytogenetic location: 7q11.23.
Variant type: single nucleotide variant.
Coding change: c.745G>A on transcript NM_000501.4 (MANE Select); coding-DNA position 745, G replaced by A.
Protein change: p.Gly249Arg; replaces glycine 249 with arginine.
Molecular consequence: missense variant.
Genome position (GRCh38, 1-based): chr7:74,048,201, G>A. VCF-style: chr7-74048201-G-A. GRCh37 (hg19) VCF-style: chr7-73462531-G-A.
Other names: c.745G>A (NM_000501.3); c.745G>A, p.Gly249Arg (NM_001081755.3, NM_001278912.2, NM_001278915.2 and 1 more transcripts); c.637G>A, p.Gly213Arg (NM_001278913.2); c.730G>A, p.Gly244Arg (NM_001278914.2); c.703G>A, p.Gly235Arg (NM_001278916.2); c.715G>A, p.Gly239Arg (NM_001278917.2, NM_001081752.3); c.613G>A, p.Gly205Arg (NM_001278918.2); c.760G>A, p.Gly254Arg (NM_001081753.3, NM_001081754.3); short protein forms G239R, G244R, G205R, G213R, G249R, G235R, G254R.
Identifiers: ClinVar variation 3669980 (VCV003669980.3).
Genomic context (GRCh38, chr7:74,048,201, plus strand): 5'-GGCTATGGGCCCGGAGGAGTGGCTGGTGCAGCGGGCAAGGCTGGTTACCCAACAGGGACA[G>A]GTAAGGAAAGCCTCACGTCACTTCCAGCCAAGGGAGCACTGATCTTCCAGGCTCCAGAGC-3'
Protein context (NP_000492.2, residues 239-259): AGKAGYPTGT[Gly249Arg]VGPQAAAAAA